The following is an entry in ClinVar:

ClinVar aggregate classification (germline): Likely pathogenic (1 of 4 stars; one submission).

Conditions:
Netherton syndrome (NETH). Also called: ERYTHRODERMA, ICHTHYOSIFORM, WITH HYPOTRICHOSIS AND HYPER-IgE; COMEL-NETHERTON SYNDROME; NETHERTON DISEASE. Identifiers: Orphanet 634, MedGen C5574950, MONDO:0009735, OMIM 256500.

Allele frequency attached by ClinVar (database versions not stated): TOPMed 0.00001.

Submission:

New York Genome Center
Classification: Likely pathogenic for Netherton syndrome. Last evaluated: 2021-03-04. Review status: criteria provided, single submitter. Criteria: NYGC Assertion Criteria 2020. Collection method: clinical testing. Allele origin: inherited. Observed: 1 heterozygote. Study: CSER-NYCKidSeq.
Comment: The inherited c.1280delC variant in SPINK5 results in a frameshift with premature truncation 77 amino acids downstream (p.Ser427LeufsTer77) at exon 14 of 33, which is predicted to result in loss of function. The variant is absent in gnomAD v3 and gnomAD v2 indicating it is not a common benign variant in the populations represented in these databases. Given the evidence supporting its pathogenicity, the inherited c.1280delC, (p.Ser427LeufsTer77) variant identified in the SPINK5 gene is classified as LikelyPathogenic.

NM_006846.4(SPINK5):c.1280del (p.Ser427fs)

Gene: SPINK5 (serine peptidase inhibitor Kazal type 5; plus strand). Cytogenetic location: 5q32.
Variant type: Deletion.
Coding change: c.1280del on transcript NM_006846.4 (MANE Select); coding-DNA position 1280, one base deleted (C; older notation c.1280delC).
Protein change: p.Ser427fs; shifts the reading frame from serine 427.
Molecular consequence: frameshift variant.
Genome position (GRCh38, 1-based): chr5:148,101,414, C deleted. VCF-style (leftmost placement, unchanged base first): chr5-148101413-TC-T. GRCh37 (hg19) VCF-style: chr5-147480976-TC-T.
Other names: c.1280del, p.Ser427fs (NM_001127698.2, NM_001127699.2); short protein forms S427fs.
Identifiers: ClinVar variation 1341884 (VCV001341884.1), dbSNP rs1753640069, ClinGen allele CA1589889811.
Genomic context (GRCh38, chr5:148,101,413, plus strand): 5'-AGCCAAGCAGAAGAAGAAGAAAAGAAAAAGAAGGAAGGTAAATCAAGAAACAAAAGACAA[TC>T]TAAGAGTACAGCTTCCTTTGAGGTGAGTTTATATCCTCCAGCAACTCAGAGGGATATGGC-3'